The following is an entry in ClinVar:

NM_002471.4(MYH6):c.2428A>G (p.Arg810Gly)

Gene: MYH6 (myosin heavy chain 6; minus strand). Cytogenetic location: 14q11.2.
Variant type: single nucleotide variant.
Coding change: c.2428A>G on transcript NM_002471.4 (MANE Select); coding-DNA position 2428, A replaced by G.
Protein change: p.Arg810Gly; replaces arginine 810 with glycine.
Molecular consequence: missense variant.
Genome position (GRCh38, 1-based): chr14:23,396,285, T>C on the plus strand (A>G on the coding strand, the complement: MYH6 is on the minus strand). VCF-style: chr14-23396285-T-C. GRCh37 (hg19) VCF-style: chr14-23865494-T-C.
Other names: short protein forms R810G.
Identifiers: ClinVar variation 407152 (VCV000407152.9), dbSNP rs1060501428, ClinGen allele CA16614077.

ClinVar aggregate classification (germline): Uncertain significance. Review status: criteria provided, multiple submitters, no conflicts (2 of 4 stars). 2 submissions from 2 submitters: Uncertain significance (2). Last evaluated 2021-09-16.

Conditions:
Dilated cardiomyopathy 1EE (CMD1EE). Identifiers: Orphanet 154, MedGen C2750466, MONDO:0013198, OMIM 613252.
Hypertrophic cardiomyopathy 1 (CMH1). Also called: MYH7-Related Familial Hypertrophic Cardiomyopathy; Familial hypertrophic cardiomyopathy 1. Identifiers: MedGen C3495498, MONDO:0008647, OMIM 192600.
Atrial septal defect 3 (ASD3). Identifiers: Orphanet 1478, MedGen C3279790, MONDO:0013567, OMIM 614089.
Sick sinus syndrome 3, susceptibility to (SSS3). Identifiers: Orphanet 166282, MedGen C3279791, MONDO:0013568, OMIM 614090.
Hypertrophic cardiomyopathy 14. Identifiers: MedGen C2750467, MONDO:0013197, OMIM 613251.

Allele frequency attached by ClinVar (database versions not stated): gnomAD exomes below 0.00001.
gnomAD v4.1: 2 of 1,614,172 alleles (0.00012%); highest among the groups gnomAD compares: Non-Finnish European, 0.00017%; no homozygotes.

Submissions (2):

Fulgent Genetics
Classification: Uncertain significance for Hypertrophic cardiomyopathy 1; Hypertrophic cardiomyopathy 14; Dilated cardiomyopathy 1EE; Atrial septal defect 3; Sick sinus syndrome 3, susceptibility to. Last evaluated: 2021-09-16. Review status: criteria provided, single submitter. Criteria: ACMG Guidelines, 2015. Collection method: clinical testing. Allele origin: unknown.

Labcorp Genetics (formerly Invitae), Labcorp
Classification: Uncertain significance for Hypertrophic cardiomyopathy 14. Last evaluated: 2016-12-08. Review status: criteria provided, single submitter. Criteria: Invitae Variant Classification Sherloc (09022015). Collection method: clinical testing. Allele origin: germline.
Comment: In summary, this variant is a novel missense change with uncertain impact on protein function. It has been classified as a Variant of Uncertain Significance. Algorithms developed to predict the effect of sequence changes on RNA splicing suggest that this variant may alter RNA splicing, but this prediction has not been confirmed by published transcriptional studies. Algorithms developed to predict the effect of missense changes on protein structure and function do not agree on the potential impact of this missense change (SIFT: "Tolerated"; PolyPhen-2: "Possibly Damaging"; Align-GVGD: "Class C0"). This variant is not present in population databases (ExAC no frequency) and has not been reported in the literature in individuals with a MYH6-related disease. This sequence change replaces arginine with glycine at codon 810 of the MYH6 protein (p.Arg810Gly). The arginine residue is moderately conserved and there is a moderate physicochemical difference between arginine and glycine.